The following is an entry in ClinVar:

ClinVar aggregate classification (germline): Uncertain significance. Review status: criteria provided, multiple submitters, no conflicts (2 of 4 stars). 2 submissions from 2 submitters: Uncertain significance (2). Last evaluated 2023-12-27.

Conditions:
Hereditary cancer-predisposing syndrome. Also called: Hereditary neoplastic syndrome; Neoplastic Syndromes, Hereditary; Hereditary Cancer Syndrome; Tumor predisposition. Identifiers: Orphanet 140162, MedGen C0027672, MeSH D009386, MONDO:0015356.

Allele frequency attached by ClinVar (database versions not stated): gnomAD exomes below 0.00001; ExAC 0.00001.
gnomAD v4.1: 1 of 1,601,714 alleles (0.000062%); highest among the groups gnomAD compares: East Asian, 0.0022%; no homozygotes.

Submissions (2):

Labcorp Genetics (formerly Invitae), Labcorp
Classification: Uncertain significance. Last evaluated: 2023-12-27. Review status: criteria provided, single submitter. Criteria: Invitae Variant Classification Sherloc (09022015). Collection method: clinical testing. Allele origin: germline.
Comment: This sequence change falls in intron 5 of the MSH3 gene. It does not directly change the encoded amino acid sequence of the MSH3 protein. It affects a nucleotide within the consensus splice site. This variant is present in population databases (rs763390172, gnomAD 0.006%). This variant has not been reported in the literature in individuals affected with MSH3-related conditions. ClinVar contains an entry for this variant (Variation ID: 658900). Variants that disrupt the consensus splice site are a relatively common cause of aberrant splicing (PMID: 17576681, 9536098). Algorithms developed to predict the effect of sequence changes on RNA splicing suggest that this variant is not likely to affect RNA splicing. In summary, the available evidence is currently insufficient to determine the role of this variant in disease. Therefore, it has been classified as a Variant of Uncertain Significance.

Ambry Genetics
Classification: Uncertain significance for Hereditary cancer-predisposing syndrome. Last evaluated: 2023-02-22. Review status: criteria provided, single submitter. Criteria: Ambry Variant Classification Scheme 2023. Collection method: clinical testing. Allele origin: germline.
Comment: The c.909+3C>A intronic variant results from a C to A substitution 3 nucleotides after coding exon 5 in the MSH3 gene. This nucleotide position is well conserved in available vertebrate species. In silico splice site analysis predicts that this alteration will not have any significant effect on splicing. Since supporting evidence is limited at this time, the clinical significance of this alteration remains unclear.

Literature cited by the submitters: PubMed 17576681 (cited by Labcorp Genetics (formerly Invitae), Labcorp); PubMed 9536098 (cited by Labcorp Genetics (formerly Invitae), Labcorp).

NM_002439.5(MSH3):c.909+3C>A

Gene: MSH3 (mutS homolog 3; plus strand). Cytogenetic location: 5q14.1.
Variant type: single nucleotide variant.
Coding change: c.909+3C>A on transcript NM_002439.5 (MANE Select); 3 bases into the intron after coding-DNA position 909, C replaced by A.
Molecular consequence: intron variant.
Genome position (GRCh38, 1-based): chr5:80,672,363, C>A. VCF-style: chr5-80672363-C-A. GRCh37 (hg19) VCF-style: chr5-79968182-C-A.
Other names: c.909+3C>A (NM_002439.3).
Identifiers: ClinVar variation 658900 (VCV000658900.10), dbSNP rs763390172, ClinGen allele CA3327742.
Genomic context (GRCh38, chr5:80,672,363, plus strand): 5'-TATACCTACTCACAGACTGTTTGTTCATGTACGCCGCCTGGTGGCAAAAGGATATAAGGT[C>A]AGCTTTGGCTTTAACTTGTGGGGAAAGGAAATTGGGATTCTCCTCCAGAGAGTGCAAACG-3'